The following is an entry in ClinVar:

NM_004431.5(EPHA2):c.2329G>A (p.Gly777Ser)

Gene: EPHA2 (EPH receptor A2; minus strand). Cytogenetic location: 1p36.13.
Variant type: single nucleotide variant.
Coding change: c.2329G>A on transcript NM_004431.5 (MANE Select); coding-DNA position 2329, G replaced by A.
Protein change: p.Gly777Ser; replaces glycine 777 with serine.
Molecular consequence: missense variant.
Genome position (GRCh38, 1-based): chr1:16,131,867, C>T on the plus strand (G>A on the coding strand, the complement: EPHA2 is on the minus strand). VCF-style: chr1-16131867-C-T. GRCh37 (hg19) VCF-style: chr1-16458362-C-T.
Other names: c.2167G>A, p.Gly723Ser (NM_001329090.2); short protein forms G723S, G777S.
Identifiers: ClinVar variation 1449739 (VCV001449739.6), dbSNP rs922655349, ClinGen allele CA18328478.
Genomic context (GRCh38, chr1:16,131,867, plus strand): 5'-CAGAGGTGAACTTCCGGTAGGAAATGGCCTCCGGGGCGGTCCAGCGGATGGGGATCTTGC[C>T]GCCCTGCAGGGAACCCAGGCCCAGTCACCACTGTGCCCTCTGGCTGGCCCCAGGACCATT-3'
Protein context (NP_004422.2, residues 767-787): DPEATYTTSG[Gly777Ser]KIPIRWTAPE

ClinVar aggregate classification (germline): Uncertain significance (1 of 4 stars; one submission).

Conditions:
Cataract 6 multiple types. Also called: CATARACT, AGE-RELATED CORTICAL, 2; CATARACT 6, POSTERIOR POLAR; CATARACT 6, CONGENITAL TOTAL. Identifiers: Orphanet 91492, MedGen C1861825, MONDO:0007288, OMIM 116600.

Allele frequency attached by ClinVar (database versions not stated): gnomAD exomes below 0.00001; TOPMed below 0.00001.
gnomAD v4.1: 6 of 1,613,610 alleles (0.00037%); highest among the groups gnomAD compares: South Asian, 0.0011%; no homozygotes.

Submission:

Labcorp Genetics (formerly Invitae), Labcorp
Classification: Uncertain significance for Cataract 6 multiple types. Last evaluated: 2023-03-09. Review status: criteria provided, single submitter. Criteria: Invitae Variant Classification Sherloc (09022015). Collection method: clinical testing. Allele origin: germline.
Comment: In summary, the available evidence is currently insufficient to determine the role of this variant in disease. Therefore, it has been classified as a Variant of Uncertain Significance. Algorithms developed to predict the effect of sequence changes on RNA splicing suggest that this variant may create or strengthen a splice site. Advanced modeling of protein sequence and biophysical properties (such as structural, functional, and spatial information, amino acid conservation, physicochemical variation, residue mobility, and thermodynamic stability) performed at Invitae indicates that this missense variant is not expected to disrupt EPHA2 protein function. ClinVar contains an entry for this variant (Variation ID: 1449739). This variant has not been reported in the literature in individuals affected with EPHA2-related conditions. This variant is not present in population databases (gnomAD no frequency). This sequence change replaces glycine, which is neutral and non-polar, with serine, which is neutral and polar, at codon 777 of the EPHA2 protein (p.Gly777Ser).